The following is an entry in ClinVar:

NM_000059.4(BRCA2):c.1196C>A (p.Thr399Asn)

Gene: BRCA2 (BRCA2 DNA repair associated; plus strand). Cytogenetic location: 13q13.1.
Variant type: single nucleotide variant.
Coding change: c.1196C>A on transcript NM_000059.4 (MANE Select); coding-DNA position 1196, C replaced by A.
Protein change: p.Thr399Asn; replaces threonine 399 with asparagine.
Molecular consequence: missense variant.
Genome position (GRCh38, 1-based): chr13:32,332,674, C>A. VCF-style: chr13-32332674-C-A. GRCh37 (hg19) VCF-style: chr13-32906811-C-A.
Other names: short protein forms T399N.
Identifiers: ClinVar variation 479327 (VCV000479327.10), dbSNP rs1555281772, ClinGen allele CA387762043.

ClinVar aggregate classification (germline): Conflicting classifications of pathogenicity. Review status: criteria provided, conflicting classifications (1 of 4 stars). 3 submissions from 3 submitters: Uncertain significance (2); Likely benign (1). Last evaluated 2023-10-15.

Conditions:
Hereditary breast ovarian cancer syndrome. Also called: Hereditary breast and ovarian cancer syndrome (HBOC); Hereditary breast and ovarian cancer syndrome; Breast and ovarian cancer; BRCA1- and BRCA2-Associated Hereditary Breast and Ovarian Cancer; Hereditary breast and ovarian cancer; Hereditary breast and/or ovarian cancer syndrome. Identifiers: Orphanet 145, MedGen C0677776, MeSH D061325, MONDO:0003582. Disease mechanism: loss of function.
Hereditary cancer-predisposing syndrome. Also called: Neoplastic Syndromes, Hereditary; Hereditary Cancer Syndrome; Hereditary neoplastic syndrome; Tumor predisposition. Identifiers: Orphanet 140162, MedGen C0027672, MeSH D009386, MONDO:0015356.

Submissions (3):

Ambry Genetics
Classification: Uncertain significance for Hereditary cancer-predisposing syndrome. Last evaluated: 2023-10-15. Review status: criteria provided, single submitter. Criteria: Ambry Variant Classification Scheme 2023. Collection method: clinical testing. Allele origin: germline.
Comment: The p.T399N variant (also known as c.1196C>A), located in coding exon 9 of the BRCA2 gene, results from a C to A substitution at nucleotide position 1196. The threonine at codon 399 is replaced by asparagine, an amino acid with similar properties. This amino acid position is not well conserved in available vertebrate species. In addition, this alteration is predicted to be tolerated by in silico analysis. Since supporting evidence is limited at this time, the clinical significance of this alteration remains unclear.

University of Washington Department of Laboratory Medicine, University of Washington
Classification: Likely benign for Hereditary cancer-predisposing syndrome. Last evaluated: 2023-03-23. Review status: criteria provided, single submitter. Criteria: Dines et al. (Genet Med. 2020). Collection method: curation. Allele origin: germline.
Comment: Missense variant in a coldspot region where missense variants are very unlikely to be pathogenic (PMID:31911673).

BRCA2 exon 10 coldspot. Reclassification based on statistical prior probability.

Labcorp Genetics (formerly Invitae), Labcorp
Classification: Uncertain significance for Hereditary breast ovarian cancer syndrome. Last evaluated: 2022-12-16. Review status: criteria provided, single submitter. Criteria: Invitae Variant Classification Sherloc (09022015). Collection method: clinical testing. Allele origin: germline.
Comment: ClinVar contains an entry for this variant (Variation ID: 479327). This sequence change replaces threonine, which is neutral and polar, with asparagine, which is neutral and polar, at codon 399 of the BRCA2 protein (p.Thr399Asn). This variant is not present in population databases (gnomAD no frequency). This variant has not been reported in the literature in individuals affected with BRCA2-related conditions. Advanced modeling of protein sequence and biophysical properties (such as structural, functional, and spatial information, amino acid conservation, physicochemical variation, residue mobility, and thermodynamic stability) performed at Invitae indicates that this missense variant is not expected to disrupt BRCA2 protein function. In summary, the available evidence is currently insufficient to determine the role of this variant in disease. Therefore, it has been classified as a Variant of Uncertain Significance.